The following is an entry in ClinVar:

ClinVar aggregate classification (germline): Conflicting classifications of pathogenicity. Review status: criteria provided, conflicting classifications (1 of 4 stars). 3 submissions from 3 submitters: Likely pathogenic (1); Uncertain significance (2). Last evaluated 2025-12-20.

Conditions:
Inborn genetic diseases. Identifiers: MedGen C0950123, MeSH D030342.

Allele frequency attached by ClinVar (database versions not stated): gnomAD exomes below 0.00001.
gnomAD v4.1: 3 of 1,614,036 alleles (0.00019%); highest among the groups gnomAD compares: Non-Finnish European, 0.00017%; no homozygotes.

Submissions (3):

Labcorp Genetics (formerly Invitae), Labcorp
Classification: Uncertain significance. Last evaluated: 2025-12-20. Review status: criteria provided, single submitter. Criteria: Invitae Variant Classification Sherloc (09022015). Collection method: clinical testing. Allele origin: germline.
Comment: This sequence change replaces arginine, which is basic and polar, with histidine, which is basic and polar, at codon 333 of the NACC1 protein (p.Arg333His). This variant is not present in population databases (gnomAD no frequency). This variant has not been reported in the literature in individuals affected with NACC1-related conditions. ClinVar contains an entry for this variant (Variation ID: 2428976). Invitae Evidence Modeling of protein sequence and biophysical properties (such as structural, functional, and spatial information, amino acid conservation, physicochemical variation, residue mobility, and thermodynamic stability) indicates that this missense variant is not expected to disrupt NACC1 protein function with a negative predictive value of 80%. In summary, the available evidence is currently insufficient to determine the role of this variant in disease. Therefore, it has been classified as a Variant of Uncertain Significance.

Ambry Genetics
Classification: Uncertain significance for Inborn genetic diseases. Last evaluated: 2023-12-20. Review status: criteria provided, single submitter. Criteria: Ambry Variant Classification Scheme 2023. Collection method: clinical testing. Allele origin: germline.
Comment: The c.998G>A (p.R333H) alteration is located in exon 3 (coding exon 2) of the NACC1 gene. This alteration results from a G to A substitution at nucleotide position 998, causing the arginine (R) at amino acid position 333 to be replaced by a histidine (H). This variant was not reported in population-based cohorts in the Genome Aggregation Database (gnomAD). This variant has been determined to be the result of a de novo mutation in one individual with features consistent with NACC1-related neurodevelopmental disorder (External communication). This amino acid position is well conserved in available vertebrate species. This missense alteration is located in a region that has a low rate of benign missense variation (Lek, 2016; Firth, 2009). This alteration is predicted to be tolerated by in silico analysis. Based on insufficient or conflicting evidence, the clinical significance of this alteration remains unclear.

GeneDx
Classification: Likely pathogenic. Last evaluated: 2023-01-31. Review status: criteria provided, single submitter. Criteria: GeneDx Variant Classification Process June 2021. Collection method: clinical testing. Allele origin: germline. Affected: yes.
Comment: Not observed at significant frequency in large population cohorts (gnomAD); In silico analysis supports that this missense variant does not alter protein structure/function; Has not been previously published as pathogenic or benign to our knowledge

NM_052876.4(NACC1):c.998G>A (p.Arg333His)

Gene: NACC1 (nucleus accumbens associated 1; plus strand). Cytogenetic location: 19p13.13.
Variant type: single nucleotide variant.
Coding change: c.998G>A on transcript NM_052876.4 (MANE Select); coding-DNA position 998, G replaced by A.
Protein change: p.Arg333His; replaces arginine 333 with histidine.
Molecular consequence: missense variant.
Genome position (GRCh38, 1-based): chr19:13,136,283, G>A. VCF-style: chr19-13136283-G-A. GRCh37 (hg19) VCF-style: chr19-13247097-G-A.
Other names: c.998G>A (NM_052876.2); short protein forms R333H.
Identifiers: ClinVar variation 2428976 (VCV002428976.5), dbSNP rs2145624427, ClinGen allele CA404327273.